The following is an entry in ClinVar:

NM_018429.3(BDP1):c.5422A>G (p.Lys1808Glu)

Gene: BDP1 (BDP1 general transcription factor IIIB subunit; plus strand). Cytogenetic location: 5q13.2.
Variant type: single nucleotide variant.
Coding change: c.5422A>G on transcript NM_018429.3 (MANE Select); coding-DNA position 5422, A replaced by G.
Protein change: p.Lys1808Glu; replaces lysine 1808 with glutamic acid.
Molecular consequence: missense variant.
Genome position (GRCh38, 1-based): chr5:71,523,973, A>G. VCF-style: chr5-71523973-A-G. GRCh37 (hg19) VCF-style: chr5-70819800-A-G.
Other names: short protein forms K1808E.
Identifiers: ClinVar variation 4983563 (VCV004983563.1).

ClinVar aggregate classification (germline): Uncertain significance (1 of 4 stars; one submission).

Conditions:
BDP1-related disorder. Also called: BDP1-related condition.

gnomAD v4.1: 2 of 1,613,832 alleles (0.00012%); highest among the groups gnomAD compares: Non-Finnish European, 0.00017%; no homozygotes.

Submission:

PreventionGenetics, part of Exact Sciences
Classification: Uncertain significance for BDP1-related condition. Last evaluated: 2026-04-12. Review status: criteria provided, single submitter. Criteria: ACMG Guidelines, 2015. Collection method: clinical testing. Allele origin: germline.
Comment: The BDP1 c.5422A>G variant is predicted to result in the amino acid substitution p.Lys1808Glu. To our knowledge, this variant has not been reported in the literature. This variant is reported in 0.0065% of alleles in individuals of European (Non-Finnish) descent in gnomAD. At this time, the clinical significance of this variant is uncertain due to the absence of conclusive functional and genetic evidence.